The following is an entry in ClinVar:

NM_000701.8(ATP1A1):c.472A>G (p.Met158Val)

Gene: ATP1A1 (ATPase Na+/K+ transporting subunit alpha 1; plus strand). Cytogenetic location: 1p13.1.
Variant type: single nucleotide variant.
Coding change: c.472A>G on transcript NM_000701.8 (MANE Select); coding-DNA position 472, A replaced by G.
Protein change: p.Met158Val; replaces methionine 158 with valine.
Molecular consequence: missense variant.
Genome position (GRCh38, 1-based): chr1:116,388,215, A>G. VCF-style: chr1-116388215-A-G. GRCh37 (hg19) VCF-style: chr1-116930837-A-G.
Other names: c.472A>G, p.Met158Val (NM_001160233.2); c.379A>G, p.Met127Val (NM_001160234.2); short protein forms M127V, M158V.
Identifiers: ClinVar variation 4746699 (VCV004746699.1).

ClinVar aggregate classification (germline): Uncertain significance (1 of 4 stars; one submission).

Submission:

Labcorp Genetics (formerly Invitae), Labcorp
Classification: Uncertain significance. Last evaluated: 2025-07-03. Review status: criteria provided, single submitter. Criteria: Invitae Variant Classification Sherloc (09022015). Collection method: clinical testing. Allele origin: germline.
Comment: This sequence change replaces methionine, which is neutral and non-polar, with valine, which is neutral and non-polar, at codon 158 of the ATP1A1 protein (p.Met158Val). This variant is not present in population databases (gnomAD no frequency). This variant has not been reported in the literature in individuals affected with ATP1A1-related conditions. Invitae Evidence Modeling of protein sequence and biophysical properties (such as structural, functional, and spatial information, amino acid conservation, physicochemical variation, residue mobility, and thermodynamic stability) has been performed for this missense variant. However, the output from this modeling did not meet the statistical confidence thresholds required to predict the impact of this variant on ATP1A1 protein function. In summary, the available evidence is currently insufficient to determine the role of this variant in disease. Therefore, it has been classified as a Variant of Uncertain Significance.